The following is an entry in ClinVar:

NC_000016.10:g.18625G>T

Variant type: single nucleotide variant.
Genome position: GRCh38 VCF-style: chr16-18625-G-T. GRCh37 (hg19) VCF-style: chr16-68625-G-T.
Identifiers: ClinVar variation 3389397 (VCV003389397.14).

ClinVar aggregate classification (germline): Likely benign (1 of 4 stars; one submission).

Submission:

CeGaT Center for Human Genetics Tuebingen
Classification: Likely benign. Last evaluated: 2024-09-01. Review status: criteria provided, single submitter. Criteria: CeGaT Center For Human Genetics Tuebingen Variant Classification Criteria Version 2. Collection method: clinical testing. Allele origin: germline. Affected: yes. Observed: 1 variant allele.
Comment: WASH4P: BP4, BP7